The following is an entry in ClinVar:

ClinVar aggregate classification (germline): Uncertain significance (1 of 4 stars; one submission).

Allele frequency attached by ClinVar (database versions not stated): ExAC 0.00016; gnomAD exomes 0.00019.
gnomAD v4.1: 300 of 1,613,940 alleles (0.019%); highest among the groups gnomAD compares: Non-Finnish European, 0.023%; 1 homozygote.

Submission:

Labcorp Genetics (formerly Invitae), Labcorp
Classification: Uncertain significance. Last evaluated: 2022-02-09. Review status: criteria provided, single submitter. Criteria: Invitae Variant Classification Sherloc (09022015). Collection method: clinical testing. Allele origin: germline.
Comment: This sequence change replaces histidine, which is basic and polar, with aspartic acid, which is acidic and polar, at codon 1155 of the PTPRO protein (p.His1155Asp). This variant is present in population databases (rs61757814, gnomAD 0.03%). This variant has not been reported in the literature in individuals affected with PTPRO-related conditions. Algorithms developed to predict the effect of missense changes on protein structure and function (SIFT, PolyPhen-2, Align-GVGD) all suggest that this variant is likely to be disruptive. In summary, the available evidence is currently insufficient to determine the role of this variant in disease. Therefore, it has been classified as a Variant of Uncertain Significance.

NM_030667.3(PTPRO):c.3463C>G (p.His1155Asp)

Gene: PTPRO (protein tyrosine phosphatase receptor type O; plus strand). Cytogenetic location: 12p12.3.
Variant type: single nucleotide variant.
Coding change: c.3463C>G on transcript NM_030667.3 (MANE Select); coding-DNA position 3463, C replaced by G.
Protein change: p.His1155Asp; replaces histidine 1155 with aspartic acid.
Molecular consequence: missense variant.
Genome position (GRCh38, 1-based): chr12:15,589,507, C>G. VCF-style: chr12-15589507-C-G. GRCh37 (hg19) VCF-style: chr12-15742441-C-G.
Other names: c.3379C>G, p.His1127Asp (NM_002848.4); c.946C>G, p.His316Asp (NM_030668.3, NM_030670.3); c.1030C>G, p.His344Asp (NM_030669.3, NM_030671.3); short protein forms H1155D, H1127D, H316D, H344D.
Identifiers: ClinVar variation 2081578 (VCV002081578.1), dbSNP rs61757814, ClinGen allele CA6467174.